The following is an entry in ClinVar:

ClinVar aggregate classification (germline): Uncertain significance (1 of 4 stars; one submission).

gnomAD v4.1: 2 of 1,508,386 alleles (0.00013%); highest among the groups gnomAD compares: Non-Finnish European, 0.00018%; no homozygotes.

Submission:

Labcorp Genetics (formerly Invitae), Labcorp
Classification: Uncertain significance. Last evaluated: 2023-06-29. Review status: criteria provided, single submitter. Criteria: Invitae Variant Classification Sherloc (09022015). Collection method: clinical testing. Allele origin: germline.
Comment: This variant has not been reported in the literature in individuals affected with ARID1B-related conditions. This sequence change replaces cysteine, which is neutral and slightly polar, with tryptophan, which is neutral and slightly polar, at codon 251 of the ARID1B protein (p.Cys251Trp). This variant is not present in population databases (gnomAD no frequency). Experimental studies and prediction algorithms are not available or were not evaluated, and the functional significance of this variant is currently unknown. In summary, the available evidence is currently insufficient to determine the role of this variant in disease. Therefore, it has been classified as a Variant of Uncertain Significance.

NM_001374828.1(ARID1B):c.1002C>G (p.Cys334Trp)

Gene: ARID1B (AT-rich interaction domain 1B; plus strand). Cytogenetic location: 6q25.3.
Variant type: single nucleotide variant.
Coding change: c.1002C>G on transcript NM_001374828.1 (MANE Select); coding-DNA position 1002, C replaced by G.
Protein change: p.Cys334Trp; replaces cysteine 334 with tryptophan.
Molecular consequence: missense variant.
Genome position (GRCh38, 1-based): chr6:156,778,682, C>G. VCF-style: chr6-156778682-C-G. GRCh37 (hg19) VCF-style: chr6-157099816-C-G.
Other names: c.753C>G, p.Cys251Trp (NM_001346813.1, NM_020732.3); c.1002C>G, p.Cys334Trp (NM_001371656.1, NM_001374820.1, NM_017519.3); c.579C>G, p.Cys193Trp (NM_175863.2); short protein forms C193W, C334W, C251W.
Identifiers: ClinVar variation 2714794 (VCV002714794.3), dbSNP rs1475178628, ClinGen allele CA366382746.
Genomic context (GRCh38, chr6:156,778,682, plus strand): 5'-TAATTACTATGGCAGCGCTGCCCCTGCGAGCGGCGGCCCCGGCGGCCGCGCTGGGCCTTG[C>G]TTTGATCAACATGGCGGACAACAAAGCCCCGGGATGGGGATGATGCACTCCGCCTCCGCC-3'
Protein context (NP_001361757.1, residues 324-344): SGGPGGRAGP[Cys334Trp]FDQHGGQQSP